The following is an entry in ClinVar:

ClinVar aggregate classification (germline): Uncertain significance. Review status: criteria provided, multiple submitters, no conflicts (2 of 4 stars). 5 submissions from 5 submitters: Uncertain significance (5). Last evaluated 2025-08-30.

Conditions:
Malignant hyperthermia, susceptibility to, 1 (MHS1). Also called: Malignant hyperthermia suceptibility 1; RYR1-Related Malignant Hyperthermia Susceptibility; Anesthesia related hyperthermia; Malignant hyperpyrexia; Fulminating hyperpyrexia; Pharmacogenic myopathy. Identifiers: Orphanet 423, MedGen C2930980, MONDO:0007783, OMIM 145600.
Congenital myopathy with fiber type disproportion. Also called: Congenital fiber-type disproportion; Congenital fiber-type disproportion myopathy. Identifiers: Orphanet 2020, MedGen C0546264, MONDO:0009711. Inheritance: all.
Central core myopathy (CMYO1A). Also called: CONGENITAL MYOPATHY 1A, AUTOSOMAL DOMINANT, WITH SUSCEPTIBILITY TO MALIGNANT HYPERTHERMIA; Central core disease; Myopathy, central fibrillar. Identifiers: Orphanet 597, MedGen C5830701, MONDO:0007294, OMIM 117000.
Congenital multicore myopathy with external ophthalmoplegia (CMYO1B). Also called: MULTIMINICORE DISEASE WITH EXTERNAL OPHTHALMOPLEGIA; MULTICORE MYOPATHY; Minicore myopathy with external ophthalmoplegia; Congenital myopathy 1B, autosomal recessive; Minicore myopathy. Identifiers: Orphanet 598, Orphanet 98905, MedGen C1850674, MONDO:0009712, OMIM 255320, HP:0003789.
King Denborough syndrome (KDS). Identifiers: MedGen C1840365, MONDO:0020485, OMIM 619542.
RYR1-related disorder. Also called: RYR1-related disorders; RYR1-related condition. Identifiers: MedGen CN239331.

Allele frequency attached by ClinVar (database versions not stated): ExAC 0.00001; gnomAD exomes 0.00001; TOPMed 0.00006; gnomAD 0.00007 and 0.00008; ESP Exome Variant Server 0.00015.
gnomAD v4.1: 16 of 1,614,046 alleles (0.00099%); highest among the groups gnomAD compares: African/African-American, 0.02%; no homozygotes.

Submissions (5):

Color Diagnostics, LLC DBA Color Health
Classification: Uncertain significance for Malignant hyperthermia, susceptibility to, 1. Last evaluated: 2025-08-30. Review status: criteria provided, single submitter. Criteria: ACMG Guidelines, 2015. Collection method: clinical testing. Allele origin: germline.
Comment: This missense variant replaces glutamic acid with aspartic acid at codon 4115 of the RYR1 protein. Computational prediction suggests that this variant may not impact protein structure and function. To our knowledge, functional studies have not been reported for this variant. This variant has not been reported in individuals affected with RYR1-related disorders in the literature. This variant has been identified in 5/280820 chromosomes in the general population by the Genome Aggregation Database (gnomAD). The available evidence is insufficient to determine the role of this variant in disease conclusively. Therefore, this variant is classified as a Variant of Uncertain Significance.

GeneDx
Classification: Uncertain significance. Last evaluated: 2025-01-03. Review status: criteria provided, single submitter. Criteria: GeneDx Variant Classification Process June 2021. Collection method: clinical testing. Allele origin: germline. Affected: yes.
Comment: In silico analysis supports that this missense variant has a deleterious effect on protein structure/function; Has not been previously published as pathogenic or benign to our knowledge

Labcorp Genetics (formerly Invitae), Labcorp
Classification: Uncertain significance for RYR1-related disorder. Last evaluated: 2024-03-23. Review status: criteria provided, single submitter. Criteria: Invitae Variant Classification Sherloc (09022015). Collection method: clinical testing. Allele origin: germline.
Comment: This sequence change replaces glutamic acid, which is acidic and polar, with aspartic acid, which is acidic and polar, at codon 4115 of the RYR1 protein (p.Glu4115Asp). This variant is present in population databases (rs148923077, gnomAD 0.02%). This variant has not been reported in the literature in individuals affected with RYR1-related conditions. ClinVar contains an entry for this variant (Variation ID: 837821). Advanced modeling of protein sequence and biophysical properties (such as structural, functional, and spatial information, amino acid conservation, physicochemical variation, residue mobility, and thermodynamic stability) performed at Invitae indicates that this missense variant is not expected to disrupt RYR1 protein function with a negative predictive value of 95%. In summary, the available evidence is currently insufficient to determine the role of this variant in disease. Therefore, it has been classified as a Variant of Uncertain Significance.

Fulgent Genetics
Classification: Uncertain significance for Central core myopathy; Malignant hyperthermia, susceptibility to, 1; Congenital myopathy 4A, autosomal dominant; Congenital multicore myopathy with external ophthalmoplegia; King Denborough syndrome. Last evaluated: 2021-09-01. Review status: criteria provided, single submitter. Criteria: ACMG Guidelines, 2015. Collection method: clinical testing. Allele origin: unknown.

Revvity Omics, Revvity
Classification: Uncertain significance. Last evaluated: 2019-09-17. Review status: criteria provided, single submitter. Criteria: ACMG Guidelines, 2015. Collection method: clinical testing. Allele origin: germline.

NM_000540.3(RYR1):c.12345A>C (p.Glu4115Asp)

Gene: RYR1 (ryanodine receptor 1; plus strand). Cytogenetic location: 19q13.2.
Variant type: single nucleotide variant.
Coding change: c.12345A>C on transcript NM_000540.3 (MANE Select); coding-DNA position 12345, A replaced by C.
Protein change: p.Glu4115Asp; replaces glutamic acid 4115 with aspartic acid.
Molecular consequence: missense variant.
Genome position (GRCh38, 1-based): chr19:38,561,175, A>C. VCF-style: chr19-38561175-A-C. GRCh37 (hg19) VCF-style: chr19-39051815-A-C.
Other names: c.12330A>C, p.Glu4110Asp (NM_001042723.2); short protein forms E4110D, E4115D.
Identifiers: ClinVar variation 837821 (VCV000837821.13), dbSNP rs148923077, ClinGen allele CA058737.